The following is an entry in ClinVar:

ClinVar aggregate classification (germline): Likely benign (1 of 4 stars; one submission).

Conditions:
Leigh syndrome (NULS). Also called: Leigh's necrotizing encephalopathy; Leigh's disease; Leigh Syndrome (mtDNA deletion); Leigh Disease; Subacute necrotizing encephalopathy; Necrotizing encephalopathy infantile subacute of Leigh. Identifiers: Orphanet 506, MedGen C2931891, MONDO:0009723, OMIM 256000.

Submission:

Wong Mito Lab, Molecular and Human Genetics, Baylor College of Medicine
Classification: Likely benign for Leigh syndrome. Last evaluated: 2019-10-17. Review status: criteria provided, single submitter. Criteria: Modified ACMG Guidelines (Unpublished). Collection method: clinical testing. Allele origin: germline.
Comment: The NC_012920.1:m.8842A>C (YP_003024031.1:p.Ile106Leu) variant in MTATP6 gene is interpretated to be a Likely Benign variant based on the modified ACMG guidelines (unpublished). This variant meets the following evidence codes: BS1, BP4

NC_012920.1(MT-ATP6):m.8842A>C

Gene: MT-ATP6 (mitochondrially encoded ATP synthase 6; plus strand).
Variant type: single nucleotide variant.
Genome position: chrM-8842-A-C.
Identifiers: ClinVar variation 692998 (VCV000692998.1), dbSNP rs386829052, ClinGen allele CA414798422.